The following is an entry in ClinVar:

ClinVar aggregate classification (germline): Likely benign (1 of 4 stars; one submission).

gnomAD v4.1: 2 of 1,614,146 alleles (0.00012%); highest among the groups gnomAD compares: South Asian, 0.0011%; no homozygotes.

Submission:

CeGaT Center for Human Genetics Tuebingen
Classification: Likely benign. Last evaluated: 2026-07-01. Review status: criteria provided, single submitter. Criteria: CeGaT Center For Human Genetics Tuebingen Variant Classification Criteria Version 2. Collection method: clinical testing. Allele origin: germline. Affected: yes. Observed: 1 variant allele.
Comment: TNR: BP4, BP7

NM_003285.3(TNR):c.930G>T (p.Gly310=)

Gene: TNR (tenascin R; minus strand). Cytogenetic location: 1q25.1.
Variant type: single nucleotide variant.
Coding change: c.930G>T on transcript NM_003285.3 (MANE Select); coding-DNA position 930, G replaced by T.
Protein change: p.Gly310=; no amino-acid change (glycine 310 retained).
Molecular consequence: synonymous variant. On other transcripts: missense variant (1).
Genome position (GRCh38, 1-based): chr1:175,403,186, C>A on the plus strand (G>T on the coding strand, the complement: TNR is on the minus strand). VCF-style: chr1-175403186-C-A. GRCh37 (hg19) VCF-style: chr1-175372322-C-A.
Other names: c.35G>T, p.Gly12Val (NM_001328635.2); short protein forms G12V.
Identifiers: ClinVar variation 5040198 (VCV005040198.1).